The following is an entry in ClinVar:

ClinVar aggregate classification (germline): Likely benign (1 of 4 stars; one submission).

Submission:

GeneDx
Classification: Likely benign. Last evaluated: 2016-11-30. Review status: criteria provided, single submitter. Criteria: GeneDx Variant Classification (06012015). Collection method: clinical testing. Allele origin: germline. Affected: yes.
Comment: This variant is considered likely benign or benign based on one or more of the following criteria: it is a conservative change, it occurs at a poorly conserved position in the protein, it is predicted to be benign by multiple in silico algorithms, and/or has population frequency not consistent with disease.

NM_024301.5(FKRP):c.-195A>G

Gene: FKRP (fukutin related protein; plus strand). Cytogenetic location: 19q13.32.
Variant type: single nucleotide variant.
Coding change: c.-195A>G on transcript NM_024301.5 (MANE Select); 195 bases upstream of the start codon, A replaced by G.
Molecular consequence: 5 prime UTR variant.
Genome position (GRCh38, 1-based): chr19:46,748,084, A>G. VCF-style: chr19-46748084-A-G. GRCh37 (hg19) VCF-style: chr19-47251341-A-G.
Other names: c.-247A>G (NM_001039885.3).
Identifiers: ClinVar variation 391158 (VCV000391158.1), dbSNP rs1057523991, ClinGen allele CA16608196.